The following is an entry in ClinVar:

NM_001082971.2(DDC):c.526C>A (p.Gln176Lys)

Gene: DDC (dopa decarboxylase; minus strand). Cytogenetic location: 7p12.1.
Variant type: single nucleotide variant.
Coding change: c.526C>A on transcript NM_001082971.2 (MANE Select); coding-DNA position 526, C replaced by A.
Protein change: p.Gln176Lys; replaces glutamine 176 with lysine.
Molecular consequence: missense variant. On other transcripts: intron variant (1).
Genome position (GRCh38, 1-based): chr7:50,529,252, G>T on the plus strand (C>A on the coding strand, the complement: DDC is on the minus strand). VCF-style: chr7-50529252-G-T. GRCh37 (hg19) VCF-style: chr7-50596950-G-T.
Other names: c.526C>A, p.Gln176Lys (NM_000790.4, NM_001242887.2, NM_001242890.2); c.412C>A, p.Gln138Lys (NM_001242886.2); c.292C>A, p.Gln98Lys (NM_001242888.2); c.435+8608C>A (NM_001242889.2); c.526C>A (NM_000790.3); short protein forms Q138K, Q98K, Q176K.
Identifiers: ClinVar variation 1463532 (VCV001463532.4), dbSNP rs773004040, ClinGen allele CA4262346.

ClinVar aggregate classification (germline): Uncertain significance. Review status: criteria provided, multiple submitters, no conflicts (2 of 4 stars). 2 submissions from 2 submitters: Uncertain significance (2). Last evaluated 2022-12-06.

Conditions:
Deficiency of aromatic-L-amino-acid decarboxylase. Also called: Aromatic amino acid decarboxylase deficiency; Aromatic L-Amino Acid Decarboxylase Deficiency; DDC DEFICIENCY; DOPA DECARBOXYLASE DEFICIENCY; AADC DEFICIENCY. Identifiers: Orphanet 35708, MedGen C1291564, MONDO:0012084, OMIM 608643.
Inborn genetic diseases. Identifiers: MedGen C0950123, MeSH D030342.

Allele frequency attached by ClinVar (database versions not stated): TOPMed below 0.00001; gnomAD 0.00001; ExAC 0.00004; gnomAD exomes 0.00004.

Submissions (2):

Ambry Genetics
Classification: Uncertain significance for Inborn genetic diseases. Last evaluated: 2022-12-06. Review status: criteria provided, single submitter. Criteria: Ambry Variant Classification Scheme 2023. Collection method: clinical testing. Allele origin: germline.

Labcorp Genetics (formerly Invitae), Labcorp
Classification: Uncertain significance for Deficiency of aromatic-L-amino-acid decarboxylase. Last evaluated: 2022-02-02. Review status: criteria provided, single submitter. Criteria: Invitae Variant Classification Sherloc (09022015). Collection method: clinical testing. Allele origin: germline.
Comment: This sequence change replaces glutamine, which is neutral and polar, with lysine, which is basic and polar, at codon 176 of the DDC protein (p.Gln176Lys). This variant is present in population databases (rs773004040, gnomAD 0.03%). This variant has not been reported in the literature in individuals affected with DDC-related conditions. Algorithms developed to predict the effect of missense changes on protein structure and function are either unavailable or do not agree on the potential impact of this missense change (SIFT: "Deleterious"; PolyPhen-2: "Benign"; Align-GVGD: "Class C15"). In summary, the available evidence is currently insufficient to determine the role of this variant in disease. Therefore, it has been classified as a Variant of Uncertain Significance.